The following is an entry in ClinVar:

NM_015272.5(RPGRIP1L):c.2816_2817del (p.Glu939fs)

Gene: RPGRIP1L (RPGRIP1 like; minus strand). Cytogenetic location: 16q12.2.
Variant type: Deletion.
Coding change: c.2816_2817del on transcript NM_015272.5 (MANE Select); coding-DNA positions 2816 to 2817, 2 bases deleted (AA; older notation c.2816_2817delAA).
Protein change: p.Glu939fs; shifts the reading frame from glutamic acid 939.
Molecular consequence: frameshift variant.
Genome position (GRCh38, 1-based): chr16:53,641,342-53,641,343, TT deleted on the plus strand (AA on the coding strand, the reverse complement: RPGRIP1L is on the minus strand). VCF-style (leftmost placement, unchanged base first): chr16-53641341-CTT-C. GRCh37 (hg19) VCF-style: chr16-53675253-CTT-C.
Other names: c.2816_2817del, p.Glu939fs (NM_001127897.4, NM_001308334.3, NM_001330538.2); short protein forms E939fs.
Identifiers: ClinVar variation 2947683 (VCV002947683.3), dbSNP rs2544046250, ClinGen allele CA2633237514.

ClinVar aggregate classification (germline): Pathogenic (1 of 4 stars; one submission).

Conditions:
Joubert syndrome. Also called: CEREBELLOPARENCHYMAL DISORDER IV; JOUBERT-BOLTSHAUSER SYNDROME; Familial aplasia of the vermis. Identifiers: Orphanet 475, MedGen C5979921, MONDO:0018772.
Meckel-Gruber syndrome. Also called: DYSENCEPHALIA SPLANCHNOCYSTICA; GRUBER SYNDROME; Dysencephalia splachnocystica. Identifiers: Orphanet 564, MedGen C0265215, MONDO:0018921.

Allele frequency attached by ClinVar (database versions not stated): gnomAD exomes below 0.00001.

Submission:

Labcorp Genetics (formerly Invitae), Labcorp
Classification: Pathogenic for Joubert syndrome; Meckel-Gruber syndrome. Last evaluated: 2023-05-12. Review status: criteria provided, single submitter. Criteria: Invitae Variant Classification Sherloc (09022015). Collection method: clinical testing. Allele origin: germline.
Comment: This variant has not been reported in the literature in individuals affected with RPGRIP1L-related conditions. For these reasons, this variant has been classified as Pathogenic. This sequence change creates a premature translational stop signal (p.Glu939Glyfs*15) in the RPGRIP1L gene. It is expected to result in an absent or disrupted protein product. Loss-of-function variants in RPGRIP1L are known to be pathogenic (PMID: 17558409). This variant is not present in population databases (gnomAD no frequency).

Literature cited by the submitters: PubMed 17558409.